The following is an entry in ClinVar:

ClinVar aggregate classification (germline): Uncertain significance (1 of 4 stars; one submission).

Submission:

Labcorp Genetics (formerly Invitae), Labcorp
Classification: Uncertain significance. Last evaluated: 2021-07-12. Review status: criteria provided, single submitter. Criteria: Invitae Variant Classification Sherloc (09022015). Collection method: clinical testing. Allele origin: germline.
Comment: Algorithms developed to predict the effect of sequence changes on RNA splicing suggest that this variant may create or strengthen a splice site, but this prediction has not been confirmed by published transcriptional studies. This sequence change replaces alanine with valine at codon 1047 of the FAT1 protein (p.Ala1047Val). The alanine residue is moderately conserved and there is a small physicochemical difference between alanine and valine. This variant is not present in population databases (ExAC no frequency). This variant has not been reported in the literature in individuals with FAT1-related conditions. Algorithms developed to predict the effect of missense changes on protein structure and function output the following: SIFT: "Tolerated"; PolyPhen-2: "Benign"; Align-GVGD: "Class C0". The valine amino acid residue is found in multiple mammalian species, suggesting that this missense change does not adversely affect protein function. These predictions have not been confirmed by published functional studies and their clinical significance is uncertain. In summary, the available evidence is currently insufficient to determine the role of this variant in disease. Therefore, it has been classified as a Variant of Uncertain Significance.

NM_005245.4(FAT1):c.3140C>T (p.Ala1047Val)

Gene: FAT1 (FAT atypical cadherin 1; minus strand). Cytogenetic location: 4q35.2.
Variant type: single nucleotide variant.
Coding change: c.3140C>T on transcript NM_005245.4 (MANE Select); coding-DNA position 3140, C replaced by T.
Protein change: p.Ala1047Val; replaces alanine 1047 with valine.
Molecular consequence: missense variant.
Genome position (GRCh38, 1-based): chr4:186,706,688, G>A on the plus strand (C>T on the coding strand, the complement: FAT1 is on the minus strand). VCF-style: chr4-186706688-G-A. GRCh37 (hg19) VCF-style: chr4-187627842-G-A.
Other names: short protein forms A1047V.
Identifiers: ClinVar variation 1518751 (VCV001518751.8), dbSNP rs2126682560, ClinGen allele CA358983363.
Genomic context (GRCh38, chr4:186,706,688, plus strand): 5'-CCATCTCTTCTGGCGTCCTCATCATGAGCCGACACCGTCATTACCAATGAACCAACAGGT[G>A]CATCTTCTTTCACTGTCCCCTTTTCCACAAAGCTGGAAAACACGGGTGGGTGCAGGTTCT-3'
Protein context (NP_005236.2, residues 1037-1057): FVEKGTVKED[Ala1047Val]PVGSLVMTVS